The following is an entry in ClinVar:

NM_000219.6(KCNE1):c.2T>G (p.Met1Arg)

Gene: KCNE1 (potassium voltage-gated channel subfamily E regulatory subunit 1; minus strand). Cytogenetic location: 21q22.12.
Variant type: single nucleotide variant.
Coding change: c.2T>G on transcript NM_000219.6 (MANE Select); coding-DNA position 2, T replaced by G.
Protein change: p.Met1Arg; changes the start codon (methionine 1).
Molecular consequence: missense variant, initiator codon variant.
Genome position (GRCh38, 1-based): chr21:34,449,633, A>C on the plus strand (T>G on the coding strand, the complement: KCNE1 is on the minus strand). VCF-style: chr21-34449633-A-C. GRCh37 (hg19) VCF-style: chr21-35821931-A-C.
Other names: c.2T>G, p.Met1Arg (NM_001127668.4, NM_001127669.4, NM_001127670.4 and 4 more transcripts); short protein forms M1R.
Identifiers: ClinVar variation 3374324 (VCV003374324.2).

Conditions:
Long QT syndrome 5 (LQT5). Identifiers: Orphanet 101016, Orphanet 768, MedGen C1867904, MONDO:0013372, OMIM 613695.

Submission:

Roden Lab, Vanderbilt University Medical Center
No classification provided (evidence only). Condition: Long QT syndrome 5. Review status: no classification provided. Collection method: in vitro. Allele origin: not applicable. Functional consequence: Effect on ion channel function.
ClinVar note: "not provided" was previously submitted as the classification for the variant. However, the classification appeared to be based only on an observation of functional data so it was converted to no classification on 2025-07-30.